The following is an entry in ClinVar:

ClinVar aggregate classification (germline): Conflicting classifications of pathogenicity. Review status: criteria provided, conflicting classifications (1 of 4 stars). 5 submissions from 5 submitters: Uncertain significance (2); Likely benign (3). Last evaluated 2026-02-02.

Conditions:
IL17RA-related disorder. Also called: IL17RA-related condition.
Immunodeficiency 51 (IMD51). Also called: CANDIDIASIS, FAMILIAL, 5. Identifiers: Orphanet 1334, MedGen C4310803, MONDO:0013500, OMIM 613953.

Allele frequency attached by ClinVar (database versions not stated): 1000 Genomes Project 0.00060; 1000 Genomes Project 30x 0.00062; ExAC 0.00174; gnomAD exomes 0.00178 and 0.00375; gnomAD 0.00223 and 0.00228; TOPMed 0.00242; ESP Exome Variant Server 0.00484.
gnomAD v4.1: 5,923 of 1,613,292 alleles (0.37%); highest among the groups gnomAD compares: Non-Finnish European, 0.46%; 11 homozygotes.

Submissions (5):

Labcorp Genetics (formerly Invitae), Labcorp
Classification: Likely benign for Immunodeficiency 51. Last evaluated: 2026-02-02. Review status: criteria provided, single submitter. Criteria: Invitae Variant Classification Sherloc (09022015). Collection method: clinical testing. Allele origin: germline.

PreventionGenetics, part of Exact Sciences
Classification: Uncertain significance for IL17RA-related condition. Last evaluated: 2024-12-20. Review status: criteria provided, single submitter. Criteria: ACMG Guidelines, 2015. Collection method: clinical testing. Allele origin: germline.
Comment: The IL17RA c.152C>T variant is predicted to result in the amino acid substitution p.Thr51Met. This variant has been reported alongside two other variants in IL17RA, c.958T>C (p.Trp320Arg) and c.1A>C (start loss), in an individual affected with an unclassified antibody deficiency (Supplementary Table 3 Mørup et al. 2022. PubMed ID: 35874679). This variant is reported in 0.32% of alleles in individuals of European (Non-Finnish) descent in gnomAD, including one homozygous individual. Although we suspect that this variant may be benign, at this time, the clinical significance of this variant is uncertain due to the absence of conclusive functional and genetic evidence.

Blueprint Genetics
Classification: Likely benign. Last evaluated: 2024-11-26. Review status: criteria provided, single submitter. Criteria: ACMG Guidelines, 2015. Collection method: clinical testing. Allele origin: germline.

Center for Genomics, Ann and Robert H. Lurie Children's Hospital of Chicago
Classification: Uncertain significance for Immunodeficiency 51. Last evaluated: 2021-03-30. Review status: criteria provided, single submitter. Criteria: ACMG Guidelines, 2015. Collection method: clinical testing. Allele origin: germline.
Comment: IL17RA NM_014339.6 exon 2 p.Thr51Met (c.152C>T):This variant has not been reported in the literature but is present in 0.3% (409/129168) of European alleles including 1 homozygote, in the Genome Aggregation Database. This variant is present in ClinVar (Variation ID:340565). Evolutionary conservation and computational predictive tools suggest that this variant may not impact the protein. In summary, data on this variant is insufficient for disease classification. Therefore, the clinical significance of this variant is uncertain.

Illumina Laboratory Services, Illumina
Classification: Likely benign for Immunodeficiency 51. Last evaluated: 2018-01-12. Review status: criteria provided, single submitter. Criteria: ICSL Variant Classification Criteria 13 December 2019. Collection method: clinical testing. Allele origin: germline.
Comment: This variant was observed in the ICSL laboratory as part of a predisposition screen in an ostensibly healthy population. It had not been previously curated by ICSL or reported in the Human Gene Mutation Database (HGMD: prior to June 1st, 2018), and was therefore a candidate for classification through an automated scoring system. Utilizing variant allele frequency, disease prevalence and penetrance estimates, and inheritance mode, an automated score was calculated to assess if this variant is too frequent to cause the disease. Based on the score and internal cut-off values, a variant classified as likely benign is not then subjected to further curation. The score for this variant resulted in a classification of likely benign for this disease.

NM_014339.7(IL17RA):c.152C>T (p.Thr51Met)

Gene: IL17RA (interleukin 17 receptor A; plus strand). Cytogenetic location: 22q11.1.
Variant type: single nucleotide variant.
Coding change: c.152C>T on transcript NM_014339.7 (MANE Select); coding-DNA position 152, C replaced by T.
Protein change: p.Thr51Met; replaces threonine 51 with methionine.
Molecular consequence: missense variant.
Genome position (GRCh38, 1-based): chr22:17,097,075, C>T. VCF-style: chr22-17097075-C-T. GRCh37 (hg19) VCF-style: chr22-17577965-C-T.
Other names: c.152C>T, p.Thr51Met (NM_001289905.2); short protein forms T51M.
Identifiers: ClinVar variation 340565 (VCV000340565.21), dbSNP rs143008696, ClinGen allele CA10086230.